The following is an entry in ClinVar:

ClinVar aggregate classification (germline): Uncertain significance (1 of 4 stars; one submission).

Submission:

Women's Health and Genetics/Laboratory Corporation of America, LabCorp
Classification: Uncertain significance. Last evaluated: 2026-04-15. Review status: criteria provided, single submitter. Criteria: LabCorp Variant Classification Summary - May 2015. Collection method: clinical testing. Allele origin: germline.
Comment: Variant summary: NALCN c.357G>C (p.Trp119Cys) results in a non-conservative amino acid change in the encoded protein sequence. Algorithms developed to predict the effect of missense changes on protein structure and function all suggest that this variant is likely to be disruptive. The variant was absent in 249590 control chromosomes. The available data on variant occurrences in the general population are insufficient to allow any conclusion about variant significance. To our knowledge, no occurrence of c.357G>C in individuals affected with NALCN-related conditions and no experimental evidence demonstrating its impact on protein function have been reported. No submitters have cited clinical-significance assessments for this variant to ClinVar. Based on the evidence outlined above, the variant was classified as uncertain significance.

NM_052867.4(NALCN):c.357G>C (p.Trp119Cys)

Gene: NALCN (sodium leak channel, non-selective; minus strand). Cytogenetic location: 13q33.1.
Variant type: single nucleotide variant.
Coding change: c.357G>C on transcript NM_052867.4 (MANE Select); coding-DNA position 357, G replaced by C.
Protein change: p.Trp119Cys; replaces tryptophan 119 with cysteine.
Molecular consequence: missense variant.
Genome position (GRCh38, 1-based): chr13:101,378,588, C>G on the plus strand (G>C on the coding strand, the complement: NALCN is on the minus strand). VCF-style: chr13-101378588-C-G. GRCh37 (hg19) VCF-style: chr13-102030939-C-G.
Other names: c.357G>C, p.Trp119Cys (NM_001350748.2, NM_001350749.2, NM_001350750.2 and 1 more transcripts); short protein forms W119C.
Identifiers: ClinVar variation 4848551 (VCV004848551.1).